The following is an entry in ClinVar:

NM_016156.6(MTMR2):c.80+13C>T

Gene: MTMR2 (myotubularin related protein 2; minus strand). Cytogenetic location: 11q21.
Variant type: single nucleotide variant.
Coding change: c.80+13C>T on transcript NM_016156.6 (MANE Select); 13 bases into the intron after coding-DNA position 80, C replaced by T.
Molecular consequence: intron variant.
Genome position (GRCh38, 1-based): chr11:95,923,862, G>A on the plus strand (C>T on the coding strand, the complement: MTMR2 is on the minus strand). VCF-style: chr11-95923862-G-A. GRCh37 (hg19) VCF-style: chr11-95657026-G-A.
Other names: c.-208+13C>T (NM_201281.3); c.-331+13C>T (NM_201278.3); c.-404+13C>T (NM_001243571.2).
Identifiers: ClinVar variation 138272 (VCV000138272.31), dbSNP rs139510268, ClinGen allele CA292186.
Genomic context (GRCh38, chr11:95,923,862, plus strand): 5'-AACAATCCAGCAGGTCCCCGGCCCCTCTCCATCCCCTTCGGACGCTGGGCGGGGCCCTGG[G>A]CGTCCTGGTTACCTGGACAAGGAGTCCACGCTGGGCGGCCGAGCCGCCGCCGGCTGGGAG-3'

ClinVar aggregate classification (germline): Benign/Likely benign. Review status: criteria provided, multiple submitters, no conflicts (2 of 4 stars). 9 submissions from 9 submitters: Benign (7); Likely benign (1). 1 of the submissions does not count toward it. Last evaluated 2026-02-03.

Conditions:
Charcot-Marie-Tooth disease. Also called: Charcot-Marie-Tooth Hereditary Neuropathy; Charcot-Marie-Tooth Neuropathy. Identifiers: Orphanet 166, MedGen C0007959, MONDO:0015626.
Charcot-Marie-Tooth disease type 4. Also called: Charcot-Marie-Tooth disease, type IV; Charcot-Marie-Tooth, Type 4. Identifiers: Orphanet 64749, MedGen C4082197, MONDO:0018995.
Charcot-Marie-Tooth disease type 4B1. Also called: CHARCOT-MARIE-TOOTH DISEASE, AUTOSOMAL RECESSIVE, WITH FOCALLY FOLDED MYELIN SHEATHS, AUTOSOMAL RECESSIVE, TYPE 4B1; CHARCOT-MARIE-TOOTH DISEASE, TYPE 4B; CHARCOT-MARIE-TOOTH DISEASE, DEMYELINATING, TYPE 4B1; Charcot-Marie-Tooth Neuropathy Type 4B1. Identifiers: Orphanet 99955, MedGen C1832399, MONDO:0011066, OMIM 601382.

Allele frequency attached by ClinVar (database versions not stated): 1000 Genomes Project 30x 0.00640; 1000 Genomes Project 0.00699; ESP Exome Variant Server 0.01437; ExAC 0.01535; gnomAD exomes 0.01755 and 0.02600; TOPMed 0.01757; gnomAD 0.01807 and 0.01848.

Submissions (9):

Labcorp Genetics (formerly Invitae), Labcorp
Classification: Benign for Charcot-Marie-Tooth disease type 4. Last evaluated: 2026-02-03. Review status: criteria provided, single submitter. Criteria: Invitae Variant Classification Sherloc (09022015). Collection method: clinical testing. Allele origin: germline.

ARUP Laboratories, Molecular Genetics and Genomics, ARUP Laboratories
Classification: Benign for Charcot-Marie-Tooth disease type 4B1. Last evaluated: 2025-07-17. Review status: criteria provided, single submitter. Criteria: ARUP Molecular Germline Variant Investigation Process 2024. Collection method: clinical testing. Allele origin: germline.

Blueprint Genetics
Classification: Likely benign. Last evaluated: 2024-11-27. Review status: criteria provided, single submitter. Criteria: ACMG Guidelines, 2015. Collection method: clinical testing. Allele origin: germline.

Illumina Laboratory Services, Illumina
Classification: Benign for Charcot-Marie-Tooth disease type 4B1. Last evaluated: 2018-01-12. Review status: criteria provided, single submitter. Criteria: ICSL Variant Classification Criteria 13 December 2019. Collection method: clinical testing. Allele origin: germline.
Comment: This variant was observed in the ICSL laboratory as part of a predisposition screen in an ostensibly healthy population. It had not been previously curated by ICSL or reported in the Human Gene Mutation Database (HGMD: prior to June 1st, 2018), and was therefore a candidate for classification through an automated scoring system. Utilizing variant allele frequency, disease prevalence and penetrance estimates, and inheritance mode, an automated score was calculated to assess if this variant is too frequent to cause the disease. Based on the score and internal cut-off values, a variant classified as benign is not then subjected to further curation. The score for this variant resulted in a classification of benign for this disease.

Genome Diagnostics Laboratory, University Medical Center Utrecht
Classification: Benign for Charcot-Marie-Tooth disease type 4B1. Last evaluated: 2014-10-09. Review status: criteria provided, single submitter. Criteria: ACGS Guidelines, 2013. Collection method: clinical testing. Allele origin: germline. Affected: yes. Study: VKGL Data-share Consensus.

GeneDx
Classification: Benign. Last evaluated: 2014-05-23. Review status: criteria provided, single submitter. Criteria: GeneDx Variant Classification (06012015). Collection method: clinical testing. Allele origin: germline. Affected: yes.
Comment: This variant is considered likely benign or benign based on one or more of the following criteria: it is a conservative change, it occurs at a poorly conserved position in the protein, it is predicted to be benign by multiple in silico algorithms, and/or has population frequency not consistent with disease.

Breakthrough Genomics
Classification: Benign. Review status: criteria provided, single submitter. Criteria: ACMG Guidelines, 2015. Collection method: not provided. Allele origin: germline. Inheritance: Autosomal recessive inheritance. Affected: yes.

Molecular Genetics Laboratory, London Health Sciences Centre
Classification: Benign for Charcot-Marie-Tooth disease. Review status: criteria provided, single submitter. Criteria: ACMG Guidelines, 2015. Collection method: clinical testing. Allele origin: germline. Affected: yes.

Clinical Genetics, Academic Medical Center
Classification: Benign. Review status: no assertion criteria provided. Collection method: clinical testing. Allele origin: germline. Affected: yes. Study: VKGL Data-share Consensus. Not counted in ClinVar's aggregate classification.